The following is an entry in ClinVar:

NM_014028.4(OSTM1):c.242A>G (p.Asp81Gly)

Gene: OSTM1 (osteoclastogenesis associated transmembrane protein 1; minus strand). Cytogenetic location: 6q21.
Variant type: single nucleotide variant.
Coding change: c.242A>G on transcript NM_014028.4 (MANE Select); coding-DNA position 242, A replaced by G.
Protein change: p.Asp81Gly; replaces aspartic acid 81 with glycine.
Molecular consequence: missense variant.
Genome position (GRCh38, 1-based): chr6:108,074,410, T>C on the plus strand (A>G on the coding strand, the complement: OSTM1 is on the minus strand). VCF-style: chr6-108074410-T-C. GRCh37 (hg19) VCF-style: chr6-108395614-T-C.
Other names: c.242A>G (NM_014028.3); short protein forms D81G.
Identifiers: ClinVar variation 2049176 (VCV002049176.2), dbSNP rs938274234, ClinGen allele CA145661193.
Genomic context (GRCh38, chr6:108,074,410, plus strand): 5'-CACCCTGTCAGCTCTGCGCTGCTGTTGGCGAAGTCCAGCAGGAGCTCCCGGCACTCAGGA[T>C]CCAGATCCGGCAGGTCCGGGGGCAGCGACAGAGGCCCCAGCCCTCCACCCTGCAGGAGGG-3'
Protein context (NP_054747.2, residues 71-91): LSLPPDLPDL[Asp81Gly]PECRELLLDF

ClinVar aggregate classification (germline): Uncertain significance. Review status: criteria provided, multiple submitters, no conflicts (2 of 4 stars). 2 submissions from 2 submitters: Uncertain significance (2). Last evaluated 2025-07-12.

Conditions:
Inborn genetic diseases. Identifiers: MedGen C0950123, MeSH D030342.

Allele frequency attached by ClinVar (database versions not stated): gnomAD exomes 0.00001; gnomAD 0.00007; TOPMed 0.00010.

Submissions (2):

Ambry Genetics
Classification: Uncertain significance for Inborn genetic diseases. Last evaluated: 2025-07-12. Review status: criteria provided, single submitter. Criteria: Ambry Variant Classification Scheme 2023. Collection method: clinical testing. Allele origin: germline.

Labcorp Genetics (formerly Invitae), Labcorp
Classification: Uncertain significance. Last evaluated: 2022-02-11. Review status: criteria provided, single submitter. Criteria: Invitae Variant Classification Sherloc (09022015). Collection method: clinical testing. Allele origin: germline.
Comment: This sequence change replaces aspartic acid, which is acidic and polar, with glycine, which is neutral and non-polar, at codon 81 of the OSTM1 protein (p.Asp81Gly). This variant is present in population databases (no rsID available, gnomAD 0.02%). This variant has not been reported in the literature in individuals affected with OSTM1-related conditions. Algorithms developed to predict the effect of missense changes on protein structure and function (SIFT, PolyPhen-2, Align-GVGD) all suggest that this variant is likely to be tolerated. In summary, the available evidence is currently insufficient to determine the role of this variant in disease. Therefore, it has been classified as a Variant of Uncertain Significance.